The following is an entry in ClinVar:

ClinVar aggregate classification (germline): Uncertain significance (1 of 4 stars; one submission).

Conditions:
Wilson disease (WND). Also called: Wilson's disease. Identifiers: Orphanet 905, MedGen C0019202, MONDO:0010200, OMIM 277900. Disease mechanism: loss of function.

Submission:

All of Us Research Program, National Institutes of Health
Classification: Uncertain significance for Wilson disease. Last evaluated: 2023-10-02. Review status: criteria provided, single submitter. Criteria: ACMG Guidelines, 2015. Collection method: clinical testing. Allele origin: germline. Inheritance: Autosomal recessive inheritance. Observed: 1 variant allele, 1 heterozygote.
Comment: This missense variant replaces arginine with leucine at codon 1041 of the ATP7B protein. Computational prediction suggests that this variant may have deleterious impact on protein structure and function (internally defined REVEL score threshold >= 0.7, PMID: 27666373). To our knowledge, functional studies have not been reported for this variant. This variant has not been reported in individuals affected with ATP7B-related disorders in the literature. This variant has not been identified in the general population by the Genome Aggregation Database (gnomAD). The available evidence is insufficient to determine the role of this variant in disease conclusively. Therefore, this variant is classified as a Variant of Uncertain Significance.

This study involves interpretation of variants in research participants for the purpose of population health screening. Participant phenotype was not available at the time of variant classification. Additional details can be found in publication PMID: 35346344, PMCID: PMC8962531

NM_000053.4(ATP7B):c.3122G>T (p.Arg1041Leu)

Gene: ATP7B (ATPase copper transporting beta; minus strand). Cytogenetic location: 13q14.3.
Variant type: single nucleotide variant.
Coding change: c.3122G>T on transcript NM_000053.4 (MANE Select); coding-DNA position 3122, G replaced by T.
Protein change: p.Arg1041Leu; replaces arginine 1041 with leucine.
Molecular consequence: missense variant. On other transcripts: intron variant (1).
Genome position (GRCh38, 1-based): chr13:51,944,230, C>A on the plus strand (G>T on the coding strand, the complement: ATP7B is on the minus strand). VCF-style: chr13-51944230-C-A. GRCh37 (hg19) VCF-style: chr13-52518366-C-A.
Other names: c.3122G>T, p.Arg1041Leu (NM_001406526.1, NM_001406511.1, NM_001406512.1); c.2888G>T, p.Arg963Leu (NM_001406527.1, NM_001406528.1, NM_001330578.2 and 1 more transcripts); c.2870G>T, p.Arg957Leu (NM_001406532.1, NM_001406531.1, NM_001330579.2); c.2882G>T, p.Arg961Leu (NM_001406530.1); c.2501G>T, p.Arg834Leu (NM_001005918.3); c.2789G>T, p.Arg930Leu (NM_001243182.2); c.3116G>T, p.Arg1039Leu (NM_001406513.1); c.3089G>T, p.Arg1030Leu (NM_001406514.1); and 19 more; short protein forms R1009L, R1023L, R1030L, R1039L, R1041L, R611L, R760L, R814L.
Identifiers: ClinVar variation 3073596 (VCV003073596.1), dbSNP rs2547628381, ClinGen allele CA388030302.